The following is an entry in ClinVar:

NM_007118.4(TRIO):c.2561A>G (p.Gln854Arg)

Gene: TRIO (trio Rho guanine nucleotide exchange factor; plus strand). Cytogenetic location: 5p15.2.
Variant type: single nucleotide variant.
Coding change: c.2561A>G on transcript NM_007118.4 (MANE Select); coding-DNA position 2561, A replaced by G.
Protein change: p.Gln854Arg; replaces glutamine 854 with arginine.
Molecular consequence: missense variant. On other transcripts: non-coding transcript variant (1).
Genome position (GRCh38, 1-based): chr5:14,363,901, A>G. VCF-style: chr5-14363901-A-G. GRCh37 (hg19) VCF-style: chr5-14364010-A-G.
Other names: short protein forms Q854R.
Identifiers: ClinVar variation 1194717 (VCV001194717.2), dbSNP rs2152340689, ClinGen allele CA359211165.

ClinVar aggregate classification (germline): Likely pathogenic (1 of 4 stars; one submission).

Submission:

GeneDx
Classification: Likely pathogenic. Last evaluated: 2019-09-17. Review status: criteria provided, single submitter. Criteria: GeneDx Variant Classification Process June 2021. Collection method: clinical testing. Allele origin: germline. Affected: yes.
Comment: Not observed in large population cohorts (Lek et al., 2016); In silico analysis, which includes protein predictors and evolutionary conservation, supports a deleterious effect; Has not been previously published as pathogenic or benign to our knowledge; In addition, in silico splice predictors suggest this variant may lead to abnormal gene splicing